The following is an entry in ClinVar:

ClinVar aggregate classification (germline): Uncertain significance (1 of 4 stars; one submission).

Submission:

GeneDx
Classification: Uncertain significance. Last evaluated: 2019-07-13. Review status: criteria provided, single submitter. Criteria: GeneDx Variant Classification Process June 2021. Collection method: clinical testing. Allele origin: germline. Affected: yes.
Comment: Not observed in large population cohorts (Lek et al., 2016); In silico analysis, which includes splice predictors and evolutionary conservation, supports that this variant does not alter protein structure/function; Has not been previously published as pathogenic or benign to our knowledge

NM_015570.4(AUTS2):c.661-145320A>G

Gene: AUTS2 (activator of transcription and developmental regulator AUTS2; plus strand). Cytogenetic location: 7q11.22.
Variant type: single nucleotide variant.
Coding change: c.661-145320A>G on transcript NM_015570.4 (MANE Select); 145320 bases into the intron before coding-DNA position 661, A replaced by G.
Molecular consequence: intron variant. On other transcripts: missense variant (1).
Genome position (GRCh38, 1-based): chr7:70,290,432, A>G. VCF-style: chr7-70290432-A-G. GRCh37 (hg19) VCF-style: chr7-69755418-A-G.
Other names: c.725A>G, p.Asp242Gly (NM_001127232.3); c.661-145320A>G (NM_001127231.3); short protein forms D242G.
Identifiers: ClinVar variation 1306806 (VCV001306806.2), dbSNP rs2129611852, ClinGen allele CA367704042.